The following is an entry in ClinVar:

NM_000202.8(IDS):c.1040A>C (p.Lys347Thr)

Genes: IDS (iduronate 2-sulfatase; minus strand), LOC106050102 (IDS recombination region; plus strand). Cytogenetic location: Xq28.
Variant type: single nucleotide variant.
Coding change: c.1040A>C on transcript NM_000202.8 (MANE Select); coding-DNA position 1040, A replaced by C.
Protein change: p.Lys347Thr; replaces lysine 347 with threonine.
Molecular consequence: missense variant.
Genome position (GRCh38, 1-based): chrX:149,487,065, T>G on the plus strand (A>C on the coding strand, the complement: IDS is on the minus strand). VCF-style: chrX-149487065-T-G. GRCh37 (hg19) VCF-style: chrX-148568596-T-G.
Other names: c.770A>C, p.Lys257Thr (NM_001166550.4); short protein forms K257T, K347T.
Identifiers: ClinVar variation 3255945 (VCV003255945.2).

ClinVar aggregate classification (germline): Likely pathogenic (1 of 4 stars; one submission).

Conditions:
Mucopolysaccharidosis, MPS-II (MPS2). Also called: Hunter Syndrome; IDURONATE 2-SULFATASE DEFICIENCY; Mucopolysaccharidosis Type II; Mucopolysaccharidosis type 2; Attenuated MPS (subtype; formerly known as mild MPS II); Severe MPS II. Identifiers: Orphanet 580, Orphanet 79388, MedGen C0026705, MONDO:0010674, OMIM 309900.

Submission:

Laboratory of Diagnosis and Therapy of Lysosomal Disorders, University of Padova
Classification: Likely pathogenic for Mucopolysaccharidosis, MPS-II. Last evaluated: 2024-06-07. Review status: criteria provided, single submitter. Criteria: ACMG Guidelines, 2015. Collection method: literature only. Allele origin: germline. Affected: yes. Observed: 2 variant alleles.
Comment: In vitro or in vivo functional studies supportive of a damaging effect (PS3_Moderate), Located in a mutational hot spot and/or critical functional domain (PM1_Moderate), Absent from controls (or at low frequency) in gnomAD database (PM2_Moderate), Missense change at the same amino acid residue as a pathogenic variant (PM5_Moderate), Missense variant in a gene with a low rate of benign missense variation (PP2_Supporting), Multiple lines of computational evidence support a deleterious effect (PP3_Supporting), Patient’s phenotype or family history highly specific for the disease (PP4_Moderate)

Classification method: ACMG Guidelines [PMID:25741868] with modifications

Literature cited by the submitters: PubMed 11462244; PubMed 9222763.